The following is an entry in ClinVar:

NM_001372.4(DNAH9):c.6400-1G>C

Gene: DNAH9 (dynein axonemal heavy chain 9; plus strand). Cytogenetic location: 17p12.
Variant type: single nucleotide variant.
Coding change: c.6400-1G>C on transcript NM_001372.4 (MANE Select); the canonical splice acceptor site of the intron before coding-DNA position 6400, G replaced by C.
Molecular consequence: splice acceptor variant.
Genome position (GRCh38, 1-based): chr17:11,747,555, G>C. VCF-style: chr17-11747555-G-C. GRCh37 (hg19) VCF-style: chr17-11650872-G-C.
Identifiers: ClinVar variation 2980345 (VCV002980345.3), dbSNP rs2544554882, ClinGen allele CA398193843.

ClinVar aggregate classification (germline): Likely pathogenic (1 of 4 stars; one submission).

gnomAD v4.1: 3 of 1,612,980 alleles (0.00019%); highest among the groups gnomAD compares: Non-Finnish European, 0.000085%; no homozygotes.

Submission:

Labcorp Genetics (formerly Invitae), Labcorp
Classification: Likely pathogenic. Last evaluated: 2023-12-11. Review status: criteria provided, single submitter. Criteria: Invitae Variant Classification Sherloc (09022015). Collection method: clinical testing. Allele origin: germline.
Comment: This sequence change affects an acceptor splice site in intron 31 of the DNAH9 gene. It is expected to disrupt RNA splicing. Variants that disrupt the donor or acceptor splice site typically lead to a loss of protein function (PMID: 16199547), and loss-of-function variants in DNAH9 are known to be pathogenic (PMID: 30471718). This variant is not present in population databases (gnomAD no frequency). This variant has not been reported in the literature in individuals affected with DNAH9-related conditions. Algorithms developed to predict the effect of sequence changes on RNA splicing suggest that this variant may disrupt the consensus splice site. In summary, the currently available evidence indicates that the variant is pathogenic, but additional data are needed to prove that conclusively. Therefore, this variant has been classified as Likely Pathogenic.

Literature cited by the submitters: PubMed 16199547; PubMed 30471718.